The following is an entry in ClinVar:

ClinVar aggregate classification (germline): Pathogenic. Review status: criteria provided, multiple submitters, no conflicts (2 of 4 stars). 4 submissions from 4 submitters: Pathogenic (4). Last evaluated 2024-10-21.

Conditions:
Mucopolysaccharidosis, MPS-IV-A (MPS4A). Also called: Mucopolysaccharidosis Type IVA; GALACTOSAMINE-6-SULFATASE DEFICIENCY; GALNS DEFICIENCY; MORQUIO A DISEASE; MPS IVA; Morquio syndrome A, mild. Identifiers: Orphanet 309297, Orphanet 582, MedGen C0086651, MONDO:0009659, OMIM 253000.

Allele frequency attached by ClinVar (database versions not stated): gnomAD exomes 0.00001 and below 0.00001; ExAC below 0.00001.
gnomAD v4.1: 3 of 1,579,754 alleles (0.00019%); highest among the groups gnomAD compares: Non-Finnish European, 0.00017%; no homozygotes.

Submissions (4):

Foundation for Research in Genetics and Endocrinology, FRIGE's Institute of Human Genetics
Classification: Pathogenic for Mucopolysaccharidosis, MPS-IV-A. Last evaluated: 2024-10-21. Review status: criteria provided, single submitter. Criteria: ACMG Guidelines, 2015. Collection method: clinical testing. Allele origin: germline. Inheritance: Autosomal recessive inheritance. Affected: yes. Observed: 1 homozygote.
Comment: A Homozygous variation in intron 8 of the GALNS gene. The observed variant c.898+1G>A has not been reported in the 1000 genomes database and has a MAF of 0.0005% in the gnomAD database. The in silico prediction of the variant is possibly damaging by MutationTaster2, DANN and spliceAI. The reference codon is conserved across species. In summary, the variant meets our criteria to be classified as pathogenic.

Genome-Nilou Lab
Classification: Pathogenic for Mucopolysaccharidosis, MPS-IV-A. Last evaluated: 2021-11-07. Review status: criteria provided, single submitter. Criteria: ACMG Guidelines, 2015. Collection method: clinical testing. Allele origin: germline. Affected: no.

Laboratory of Diagnosis and Therapy of Lysosomal Disorders, University of Padova
Classification: Pathogenic for Mucopolysaccharidosis, MPS-IV-A. Last evaluated: 2021-02-01. Review status: criteria provided, single submitter. Criteria: ACMG Guidelines, 2015. Collection method: curation. Allele origin: germline. Affected: yes.
Comment: Splicing variant in canonical site (PVS1_very strong); the prevalence of the variant in affected individuals is significantly increased compared with the prevalence in controls (PS4_moderate); very low frequency in gnomAD v2.1.1 (PM2_moderate)

Labcorp Genetics (formerly Invitae), Labcorp
Classification: Pathogenic for Mucopolysaccharidosis, MPS-IV-A. Last evaluated: 2019-09-18. Review status: criteria provided, single submitter. Criteria: Invitae Variant Classification Sherloc (09022015). Collection method: clinical testing. Allele origin: germline.
Comment: For these reasons, this variant has been classified as Pathogenic. Donor and acceptor splice site variants typically lead to a loss of protein function (PMID: 16199547), and loss-of-function variants in GALNS are known to be pathogenic (PMID: 12442278). This variant has been observed as homozygous or in combination with another GALNS pathogenic variant in individuals affected with mucopolysaccharidosis IVA (PMID: 9298823, 23876334). This variant is also known as IVS8+1G>A in the literature. ClinVar contains an entry for this variant (Variation ID: 528323). The frequency data for this variant in the population databases is considered unreliable, as metrics indicate poor data quality at this position in the ExAC database. This sequence change affects a donor splice site in intron 8 of the GALNS gene. It is expected to disrupt RNA splicing and likely results in an absent or disrupted protein product.

Literature cited by the submitters: PubMed 23876334 (cited by Laboratory of Diagnosis and Therapy of Lysosomal Disorders, University of Padova and Labcorp Genetics (formerly Invitae), Labcorp); PubMed 9298823 (cited by Laboratory of Diagnosis and Therapy of Lysosomal Disorders, University of Padova and Labcorp Genetics (formerly Invitae), Labcorp); PubMed 34387910 (cited by Laboratory of Diagnosis and Therapy of Lysosomal Disorders, University of Padova); PubMed 16199547 (cited by Labcorp Genetics (formerly Invitae), Labcorp); PubMed 12442278 (cited by Labcorp Genetics (formerly Invitae), Labcorp).

NM_000512.5(GALNS):c.898+1G>A

Gene: GALNS (galactosamine (N-acetyl)-6-sulfatase; minus strand). Cytogenetic location: 16q24.3.
Variant type: single nucleotide variant.
Coding change: c.898+1G>A on transcript NM_000512.5 (MANE Select); the canonical splice donor site of the intron after coding-DNA position 898, G replaced by A.
Molecular consequence: splice donor variant.
Genome position (GRCh38, 1-based): chr16:88,835,212, C>T on the plus strand (G>A on the coding strand, the complement: GALNS is on the minus strand). VCF-style: chr16-88835212-C-T. GRCh37 (hg19) VCF-style: chr16-88901620-C-T.
Other names: c.343+1G>A (NM_001323543.2); c.916+1G>A (NM_001323544.2).
Identifiers: ClinVar variation 528323 (VCV000528323.17), dbSNP rs761850746, ClinGen allele CA8234943.
Genomic context (GRCh38, chr16:88,835,212, plus strand): 5'-GGCACTCTTCGCTGACACGCTGGCTGTGGGGAAACCGTGAGAAGTGACAGCGAGCACTCA[C>T]CTTGTTCGGGGGCGGAAATGAGGGCAGCGCCGTTGTCCGACGTGAAGAAGACGAAGGTGT-3'